The following is an entry in ClinVar:

ClinVar aggregate classification (germline): Uncertain significance (1 of 4 stars; one submission).

Allele frequency attached by ClinVar (database versions not stated): gnomAD 0.00001; TOPMed 0.00001; gnomAD exomes 0.00002.
gnomAD v4.1: 26 of 1,610,412 alleles (0.0016%); highest among the groups gnomAD compares: Non-Finnish European, 0.0021%; no homozygotes.

Submission:

GeneDx
Classification: Uncertain significance. Last evaluated: 2022-09-01. Review status: criteria provided, single submitter. Criteria: GeneDx Variant Classification Process June 2021. Collection method: clinical testing. Allele origin: germline. Affected: yes.
Comment: Not observed at significant frequency in large population cohorts (gnomAD); In silico analysis supports that this missense variant does not alter protein structure/function; Has not been previously published as pathogenic or benign to our knowledge

NM_005215.4(DCC):c.3199A>G (p.Thr1067Ala)

Gene: DCC (DCC netrin 1 receptor; plus strand). Cytogenetic location: 18q21.2.
Variant type: single nucleotide variant.
Coding change: c.3199A>G on transcript NM_005215.4 (MANE Select); coding-DNA position 3199, A replaced by G.
Protein change: p.Thr1067Ala; replaces threonine 1067 with alanine.
Molecular consequence: missense variant.
Genome position (GRCh38, 1-based): chr18:53,435,179, A>G. VCF-style: chr18-53435179-A-G. GRCh37 (hg19) VCF-style: chr18-50961549-A-G.
Other names: short protein forms T1067A.
Identifiers: ClinVar variation 2442720 (VCV002442720.1), dbSNP rs925357634, ClinGen allele CA300857878.